The following is an entry in ClinVar:

ClinVar aggregate classification (germline): Benign (0 of 4 stars; one submission).

Conditions:
PLXNA4-related disorder. Also called: PLXNA4-related condition.

Allele frequency attached by ClinVar (database versions not stated): gnomAD exomes 0.37978; ExAC 0.38800; 1000 Genomes Project 0.39317; 1000 Genomes Project 30x 0.39850; TOPMed 0.41055; gnomAD 0.41057; ESP Exome Variant Server 0.41965.
gnomAD v4.1: 618,236 of 1,613,058 alleles (38%); highest among the groups gnomAD compares: African/African-American, 48%; 119,982 homozygotes.

Submission:

PreventionGenetics, part of Exact Sciences
Classification: Benign for PLXNA4-related condition. Last evaluated: 2022-07-19. Review status: no assertion criteria provided. Collection method: clinical testing. Allele origin: germline.
Comment: This variant is classified as benign based on ACMG/AMP sequence variant interpretation guidelines (Richards et al. 2015 PMID: 25741868, with internal and published modifications).

NM_020911.2(PLXNA4):c.1158C>T (p.Leu386=)

Gene: PLXNA4 (plexin A4; minus strand). Cytogenetic location: 7q32.3.
Variant type: single nucleotide variant.
Coding change: c.1158C>T on transcript NM_020911.2 (MANE Select); coding-DNA position 1158, C replaced by T.
Protein change: p.Leu386=; no amino-acid change (leucine 386 retained).
Molecular consequence: synonymous variant.
Genome position (GRCh38, 1-based): chr7:132,507,536, G>A on the plus strand (C>T on the coding strand, the complement: PLXNA4 is on the minus strand). VCF-style: chr7-132507536-G-A. GRCh37 (hg19) VCF-style: chr7-132192295-G-A.
Other names: c.1158C>T, p.Leu386= (NM_001105543.2, NM_001393897.1, NM_181775.4).
Identifiers: ClinVar variation 3059631 (VCV003059631.2), dbSNP rs156961, ClinGen allele CA4490365.
Genomic context (GRCh38, chr7:132,507,536, plus strand): 5'-ATCCCAGCGCGCAGCCCTCCCTGTACTCACCGCACTGCTGCAGGGGATGTCCTTCACCTT[G>A]AGCCAGGCCAGGTCCAGCGTGCCCTCGCCCCGGTAACAAGACTGCAGCCGCTCCTTAATG-3'
Protein context (NP_065962.1, residues 376-396): RGEGTLDLAW[Leu386=]KVKDIPCSSA